The following is an entry in ClinVar:

ClinVar aggregate classification (germline): Pathogenic (1 of 4 stars; one submission).

Submission:

Labcorp Genetics (formerly Invitae), Labcorp
Classification: Pathogenic. Last evaluated: 2025-08-18. Review status: criteria provided, single submitter. Criteria: Invitae Variant Classification Sherloc (09022015). Collection method: clinical testing. Allele origin: germline.
Comment: This sequence change creates a premature translational stop signal (p.Lys2650Asnfs*5) in the FAT1 gene. It is expected to result in an absent or disrupted protein product. Loss-of-function variants in FAT1 are known to be pathogenic (PMID: 30862798). This variant is not present in population databases (gnomAD no frequency). This variant has not been reported in the literature in individuals affected with FAT1-related conditions. For these reasons, this variant has been classified as Pathogenic.

Literature cited by the submitters: PubMed 30862798.

NM_005245.4(FAT1):c.7950del (p.Lys2650fs)

Gene: FAT1 (FAT atypical cadherin 1; minus strand). Cytogenetic location: 4q35.2.
Variant type: Deletion.
Coding change: c.7950del on transcript NM_005245.4 (MANE Select); coding-DNA position 7950, one base deleted (A; older notation c.7950delA).
Protein change: p.Lys2650fs; shifts the reading frame from lysine 2650.
Molecular consequence: frameshift variant.
Genome position (GRCh38, 1-based): chr4:186,618,636, T deleted on the plus strand (A on the coding strand, the reverse complement: FAT1 is on the minus strand); the first of 3 consecutive T bases (chr4:186,618,636-186,618,638); deleting any one gives the same sequence. VCF-style (leftmost placement, unchanged base first): chr4-186618635-GT-G. GRCh37 (hg19) VCF-style: chr4-187539789-GT-G.
Other names: c.7950del, p.Lys2650fs (NM_001440455.1, NM_001440456.1, NM_001440457.1); short protein forms K2650fs.
Identifiers: ClinVar variation 4725633 (VCV004725633.1).
Genomic context (GRCh38, chr4:186,618,635, plus strand): 5'-AAGTGAAGAATTCATTTTCCAAGCCAATGAGGCTCTCCTTTGTAGTGATTACGCCGGACA[GT>G]TTGTTAATTTCCAAATTCTCTTTTACACTTTCAGAGTCTGCTTCAATGGCATAGGTGATG-3'